The following is an entry in ClinVar:

NM_033305.3(VPS13A):c.7736_7739del (p.Arg2579fs)

Gene: VPS13A (vacuolar protein sorting 13 homolog A; plus strand). Cytogenetic location: 9q21.2.
Variant type: Microsatellite.
Coding change: c.7736_7739del on transcript NM_033305.3 (MANE Select); coding-DNA positions 7736 to 7739, 4 bases deleted (GAGA; older notation c.7736_7739delGAGA).
Protein change: p.Arg2579fs; shifts the reading frame from arginine 2579.
Molecular consequence: frameshift variant.
Genome position (GRCh38, 1-based): chr9:77,356,797-77,356,800, GAGA deleted; deleting any 4 consecutive bases within chr9:77,356,792-77,356,800 gives the same sequence; the c. name uses the placement nearest the transcript's 3' end. VCF-style (leftmost placement, unchanged base first): chr9-77356791-TAGAG-T. GRCh37 (hg19) VCF-style: chr9-79971707-TAGAG-T.
Other names: c.7619_7622del, p.Arg2540fs (NM_001018037.2); c.7736_7739del, p.Arg2579fs (NM_001018038.3, NM_015186.4); c.7736_7739delGAGA (NM_033305.2); short protein forms R2540fs, R2579fs.
Identifiers: ClinVar variation 949342 (VCV000949342.13), dbSNP rs748828128, ClinGen allele CA5093409.

ClinVar aggregate classification (germline): Pathogenic/Likely pathogenic. Review status: criteria provided, multiple submitters, no conflicts (2 of 4 stars). 4 submissions from 4 submitters: Pathogenic (2); Likely pathogenic (2). Last evaluated 2026-01-26.

Conditions:
VPS13A-related neurodegenerative disease. Also called: VPS13A Disease; ACANTHOCYTOSIS WITH NEUROLOGIC DISORDER; Choreoacanthocytosis; Chorea-acanthocytosis; Choreaacanthocytosis; LEVINE-CRITCHLEY SYNDROME. Identifiers: Orphanet 2388, MedGen C0393576, MONDO:0008695, OMIM 200150.
VPS13A-related disorder. Also called: VPS13A-related condition.

Submissions (4):

Labcorp Genetics (formerly Invitae), Labcorp
Classification: Pathogenic. Last evaluated: 2026-01-26. Review status: criteria provided, single submitter. Criteria: Invitae Variant Classification Sherloc (09022015). Collection method: clinical testing. Allele origin: germline.
Comment: This sequence change creates a premature translational stop signal (p.Arg2579Asnfs*26) in the VPS13A gene. It is expected to result in an absent or disrupted protein product. Loss-of-function variants in VPS13A are known to be pathogenic (PMID: 12404112, 21598378). This variant is present in population databases (rs748828128, gnomAD 0.004%). This variant has not been reported in the literature in individuals affected with VPS13A-related conditions. ClinVar contains an entry for this variant (Variation ID: 949342). Algorithms developed to predict the effect of sequence changes on RNA splicing suggest that this variant may disrupt the consensus splice site. For these reasons, this variant has been classified as Pathogenic.

Natera, Inc.
Classification: Pathogenic for Choreaacanthocytosis. Last evaluated: 2025-10-10. Review status: criteria provided, single submitter. Criteria: Natera Variant Classification Schema (03/2026). Collection method: clinical testing. Allele origin: germline.
Comment: The c.7736_7739delGAGA variant in VPS13A is a frameshift variant predicted to shift the reading frame beginning at codon 2579 and leads to a stop codon 26 codons downstream. This variant is expected to result in nonsense mediated decay, truncation, or a dysfunctional protein product. This variant is rare in the general population with a frequency below the threshold expected for the associated phenotype(s). This variant has been observed in one or more individuals affected with the associated recessive disease, as either homozygous or compound heterozygous with a second variant (PMID: 32606538). Given the available evidence, this variant is classified as Pathogenic.

Department of Pathology and Laboratory Medicine, Sinai Health System
Classification: Likely pathogenic for VPS13A-related neurodegenerative disease. Last evaluated: 2023-09-29. Review status: criteria provided, single submitter. Criteria: ACMG Guidelines, 2015. Collection method: research. Allele origin: germline.

PreventionGenetics, part of Exact Sciences
Classification: Likely pathogenic for VPS13A-related condition. Last evaluated: 2023-01-27. Review status: criteria provided, single submitter. Criteria: ACMG Guidelines, 2015. Collection method: clinical testing. Allele origin: germline.
Comment: The VPS13A c.7736_7739delGAGA variant is predicted to result in a frameshift and premature protein termination (p.Arg2579Asnfs*26). This variant was reported in the compound heterozygous states individuals with choreoacanthocytosis (reported as c.7731_7734delAGAG in Futamura et al 2020. PubMed ID: 32129282; Vaisfeld A et al 2021. PubMed ID: 33652783). This variant is reported in 0.0044% of alleles in individuals of European (Non-Finnish) descent in gnomAD. Frameshift variants in VPS13A are expected to be pathogenic. This variant is interpreted as likely pathogenic.

Literature cited by the submitters: PubMed 12404112 (cited by Labcorp Genetics (formerly Invitae), Labcorp); PubMed 21598378 (cited by Labcorp Genetics (formerly Invitae), Labcorp); PubMed 32606538 (cited by Natera, Inc.).